The following is an entry in ClinVar:

ClinVar aggregate classification (germline): Uncertain significance (1 of 4 stars; one submission).

Conditions:
Neurofibromatosis, type 2 (SWNV). Also called: BILATERAL ACOUSTIC NEUROFIBROMATOSIS; SCHWANNOMATOSIS, VESTIBULAR; NF2-Related Schwannomatosis. Identifiers: Orphanet 637, MedGen C0027832, MONDO:0007039, OMIM 101000. Disease mechanism: loss of function.

Submission:

Labcorp Genetics (formerly Invitae), Labcorp
Classification: Uncertain significance for Neurofibromatosis, type 2. Last evaluated: 2019-04-18. Review status: criteria provided, single submitter. Criteria: Invitae Variant Classification Sherloc (09022015). Collection method: clinical testing. Allele origin: germline.
Comment: In summary, the available evidence is currently insufficient to determine the role of this variant in disease. Therefore, it has been classified as a Variant of Uncertain Significance. Algorithms developed to predict the effect of missense changes on protein structure and function are either unavailable or do not agree on the potential impact of this missense change (SIFT: "Tolerated"; PolyPhen-2: "Probably Damaging"; Align-GVGD: "Class C0"). This variant has not been reported in the literature in individuals with NF2-related conditions. This variant is not present in population databases (ExAC no frequency). This sequence change replaces leucine with phenylalanine at codon 168 of the NF2 protein (p.Leu168Phe). The leucine residue is highly conserved and there is a small physicochemical difference between leucine and phenylalanine.

NM_000268.4(NF2):c.504G>C (p.Leu168Phe)

Gene: NF2 (NF2, moesin-ezrin-radixin like (MERLIN) tumor suppressor; plus strand). Cytogenetic location: 22q12.2.
Variant type: single nucleotide variant.
Coding change: c.504G>C on transcript NM_000268.4 (MANE Select); coding-DNA position 504, G replaced by C.
Protein change: p.Leu168Phe; replaces leucine 168 with phenylalanine.
Molecular consequence: missense variant. On other transcripts: non-coding transcript variant (1), intron variant (1).
Genome position (GRCh38, 1-based): chr22:29,654,713, G>C. VCF-style: chr22-29654713-G-C. GRCh37 (hg19) VCF-style: chr22-30050702-G-C.
Other names: c.504G>C, p.Leu168Phe (NM_016418.5, NM_181825.3, NM_181832.3); c.378G>C, p.Leu126Phe (NM_181828.3); c.381G>C, p.Leu127Phe (NM_181829.3); c.255G>C, p.Leu85Phe (NM_181830.3, NM_181831.3); c.447+12428G>C (NM_181833.3); short protein forms L85F, L168F, L126F, L127F.
Identifiers: ClinVar variation 840078 (VCV000840078.10), dbSNP rs182990439, ClinGen allele CA411142235.